The following is an entry in ClinVar:

NM_013450.4(BAZ2B):c.6277C>T (p.Leu2093Phe)

Gene: BAZ2B (bromodomain adjacent to zinc finger domain 2B; minus strand). Cytogenetic location: 2q24.2.
Variant type: single nucleotide variant.
Coding change: c.6277C>T on transcript NM_013450.4 (MANE Select); coding-DNA position 6277, C replaced by T.
Protein change: p.Leu2093Phe; replaces leucine 2093 with phenylalanine.
Molecular consequence: missense variant.
Genome position (GRCh38, 1-based): chr2:159,324,887, G>A on the plus strand (C>T on the coding strand, the complement: BAZ2B is on the minus strand). VCF-style: chr2-159324887-G-A. GRCh37 (hg19) VCF-style: chr2-160181398-G-A.
Other names: c.6169C>T, p.Leu2057Phe (NM_001289975.1); c.6220C>T, p.Leu2074Phe (NM_001329857.2); c.6202C>T, p.Leu2068Phe (NM_001329858.2); short protein forms L2057F, L2068F, L2074F, L2093F.
Identifiers: ClinVar variation 3042651 (VCV003042651.2), dbSNP rs188090321, ClinGen allele CA1923663.
Genomic context (GRCh38, chr2:159,324,887, plus strand): 5'-TCTCTCTAATTGTGGAAAAATCCATAGGCTTCTTAATAACTTTCTTATAACCAGGAACAA[G>A]TTTCAAGTTTACAGGAAGTAGAAAAGGCCATGCATCCTCATGAGTTTCCATTTCAGTCAG-3'
Protein context (NP_038478.2, residues 2083-2103): WPFLLPVNLK[Leu2093Phe]VPGYKKVIKK

ClinVar aggregate classification (germline): Benign (0 of 4 stars; one submission).

Conditions:
BAZ2B-related disorder. Also called: BAZ2B-related condition.

Allele frequency attached by ClinVar (database versions not stated): gnomAD exomes 0.00019; TOPMed 0.00037; gnomAD 0.00043; ExAC 0.00081; 1000 Genomes Project 0.00359; 1000 Genomes Project 30x 0.00390.
gnomAD v4.1: 357 of 1,554,912 alleles (0.023%); highest among the groups gnomAD compares: East Asian, 0.81%; 1 homozygote.

Submission:

PreventionGenetics, part of Exact Sciences
Classification: Benign for BAZ2B-related condition. Last evaluated: 2019-10-07. Review status: no assertion criteria provided. Collection method: clinical testing. Allele origin: germline.
Comment: This variant is classified as benign based on ACMG/AMP sequence variant interpretation guidelines (Richards et al. 2015 PMID: 25741868, with internal and published modifications).